The following is an entry in ClinVar:

NM_004655.4(AXIN2):c.347G>A (p.Gly116Glu)

Gene: AXIN2 (axin 2; minus strand). Cytogenetic location: 17q24.1.
Variant type: single nucleotide variant.
Coding change: c.347G>A on transcript NM_004655.4 (MANE Select); coding-DNA position 347, G replaced by A.
Protein change: p.Gly116Glu; replaces glycine 116 with glutamic acid.
Molecular consequence: missense variant.
Genome position (GRCh38, 1-based): chr17:65,558,274, C>T on the plus strand (G>A on the coding strand, the complement: AXIN2 is on the minus strand). VCF-style: chr17-65558274-C-T. GRCh37 (hg19) VCF-style: chr17-63554392-C-T.
Other names: c.347G>A, p.Gly116Glu (NM_001363813.1); short protein forms G116E.
Identifiers: ClinVar variation 5032583 (VCV005032583.1).

ClinVar aggregate classification (germline): Uncertain significance (1 of 4 stars; one submission).

Conditions:
Hereditary cancer-predisposing syndrome. Also called: Neoplastic Syndromes, Hereditary; Tumor predisposition; Hereditary neoplastic syndrome; Hereditary Cancer Syndrome. Identifiers: Orphanet 140162, MedGen C0027672, MeSH D009386, MONDO:0015356.

Submission:

Ambry Genetics
Classification: Uncertain significance for Hereditary cancer-predisposing syndrome. Last evaluated: 2026-07-06. Review status: criteria provided, single submitter. Criteria: Ambry Variant Classification Scheme 2023. Collection method: clinical testing. Allele origin: germline.
Comment: The p.G116E variant (also known as c.347G>A), located in coding exon 1 of the AXIN2 gene, results from a G to A substitution at nucleotide position 347. The glycine at codon 116 is replaced by glutamic acid, an amino acid with similar properties. This amino acid position is conserved. In addition, the in silico prediction for this alteration is inconclusive. Based on the available evidence, the clinical significance of this variant remains unclear.